The following is an entry in ClinVar:

ClinVar aggregate classification (germline): Uncertain significance (1 of 4 stars; one submission).

Submission:

GeneDx
Classification: Uncertain significance. Last evaluated: 2026-02-11. Review status: criteria provided, single submitter. Criteria: GeneDx Variant Classification Process June 2021. Collection method: clinical testing. Allele origin: germline.
Comment: Not observed at significant frequency in large population cohorts (gnomAD); In silico analysis suggests that this missense variant does not alter protein structure/function; Has not been previously published as pathogenic or benign to our knowledge

NM_000083.3(CLCN1):c.2126C>G (p.Ala709Gly)

Gene: CLCN1 (chloride voltage-gated channel 1; plus strand). Cytogenetic location: 7q34.
Variant type: single nucleotide variant.
Coding change: c.2126C>G on transcript NM_000083.3 (MANE Select); coding-DNA position 2126, C replaced by G.
Protein change: p.Ala709Gly; replaces alanine 709 with glycine.
Molecular consequence: missense variant. On other transcripts: non-coding transcript variant (1).
Genome position (GRCh38, 1-based): chr7:143,345,716, C>G. VCF-style: chr7-143345716-C-G. GRCh37 (hg19) VCF-style: chr7-143042809-C-G.
Other names: short protein forms A709G.
Identifiers: ClinVar variation 4976544 (VCV004976544.1).